The following is an entry in ClinVar:

NM_005188.4(CBL):c.591-176A>G

Gene: CBL (Cbl proto-oncogene; plus strand). Cytogenetic location: 11q23.3.
Variant type: single nucleotide variant.
Coding change: c.591-176A>G on transcript NM_005188.4 (MANE Select); 176 bases into the intron before coding-DNA position 591, A replaced by G.
Molecular consequence: intron variant.
Genome position (GRCh38, 1-based): chr11:119,273,692, A>G. VCF-style: chr11-119273692-A-G. GRCh37 (hg19) VCF-style: chr11-119144402-A-G.
Identifiers: ClinVar variation 561493 (VCV000561493.2), dbSNP rs2510150, ClinGen allele CA15700425.
Genomic context (GRCh38, chr11:119,273,692, plus strand): 5'-GCTCAAGCAGTCTGCCCACTTTGGCCTCTCAAAGTGCTGGGCCTCCCAAAGGCATGCACC[A>G]TGGCTCCTGGTCCCCTTCTTTCTTTTCTTAAAGAAGTTGACCTGTATTTTGAATTACGAG-3'

ClinVar aggregate classification (germline): Benign. Review status: criteria provided, multiple submitters, no conflicts (2 of 4 stars). 2 submissions from 2 submitters: Benign (2). Last evaluated 2018-06-14.

Allele frequency attached by ClinVar (database versions not stated): gnomAD 0.97528 and 0.97632; TOPMed 0.97651; 1000 Genomes Project 30x 0.98720; 1000 Genomes Project 0.98722.
gnomAD v4.1: 148,693 of 152,370 alleles (98%); highest among the groups gnomAD compares: East Asian, 100%; 72,567 homozygotes.

Submissions (2):

GeneDx
Classification: Benign. Last evaluated: 2018-06-14. Review status: criteria provided, single submitter. Criteria: GeneDx Variant Classification (06012015). Collection method: clinical testing. Allele origin: germline. Affected: yes.
Comment: This variant is considered likely benign or benign based on one or more of the following criteria: it is a conservative change, it occurs at a poorly conserved position in the protein, it is predicted to be benign by multiple in silico algorithms, and/or has population frequency not consistent with disease.

Breakthrough Genomics
Classification: Benign. Review status: criteria provided, single submitter. Criteria: ACMG Guidelines, 2015. Collection method: not provided. Allele origin: germline. Inheritance: Autosomal dominant inheritance. Affected: yes.